The following is an entry in ClinVar:

ClinVar aggregate classification (germline): Conflicting classifications of pathogenicity. Review status: criteria provided, conflicting classifications (1 of 4 stars). 8 submissions from 8 submitters: Uncertain significance (1); Benign (1); Likely benign (6). Last evaluated 2026-01-27.

Conditions:
HSPG2-related disorder. Also called: HSPG2-related disorders; HSPG2-related condition.
Inborn genetic diseases. Identifiers: MedGen C0950123, MeSH D030342.

Allele frequency attached by ClinVar (database versions not stated): gnomAD exomes 0.00054; ExAC 0.00068; gnomAD 0.00231 and 0.00244; 1000 Genomes Project 0.00260; 1000 Genomes Project 30x 0.00265; TOPMed 0.00277; ESP Exome Variant Server 0.00346.
gnomAD v4.1: 698 of 1,613,872 alleles (0.043%); highest among the groups gnomAD compares: African/African-American, 0.83%; no homozygotes.

Submissions (8):

Labcorp Genetics (formerly Invitae), Labcorp
Classification: Likely benign. Last evaluated: 2026-01-27. Review status: criteria provided, single submitter. Criteria: Invitae Variant Classification Sherloc (09022015). Collection method: clinical testing. Allele origin: germline.

Ambry Genetics
Classification: Likely benign for Inborn genetic diseases. Last evaluated: 2025-08-04. Review status: criteria provided, single submitter. Criteria: Ambry Variant Classification Scheme 2023. Collection method: clinical testing. Allele origin: germline.

PreventionGenetics, part of Exact Sciences
Classification: Likely benign for HSPG2-related condition. Last evaluated: 2025-06-16. Review status: criteria provided, single submitter. Criteria: ACMG Guidelines, 2015. Collection method: clinical testing. Allele origin: germline.
Comment: This variant is classified as likely benign based on ACMG/AMP sequence variant interpretation guidelines (Richards et al. 2015 PMID: 25741868, with internal and published modifications).

ARUP Laboratories, Molecular Genetics and Genomics, ARUP Laboratories
Classification: Likely benign. Last evaluated: 2024-12-27. Review status: criteria provided, single submitter. Criteria: ARUP Molecular Germline Variant Investigation Process 2024. Collection method: clinical testing. Allele origin: germline.

CeGaT Center for Human Genetics Tuebingen
Classification: Uncertain significance. Last evaluated: 2023-05-01. Review status: criteria provided, single submitter. Criteria: CeGaT Center For Human Genetics Tuebingen Variant Classification Criteria Version 2. Collection method: clinical testing. Allele origin: germline. Affected: yes. Observed: 1 variant allele.
Comment: HSPG2: PM2

Athena Diagnostics
Classification: Likely benign. Last evaluated: 2018-02-01. Review status: criteria provided, single submitter. Criteria: Athena Diagnostics Criteria. Collection method: clinical testing. Allele origin: germline.

Eurofins Ntd Llc (ga)
Classification: Benign. Last evaluated: 2016-11-22. Review status: criteria provided, single submitter. Criteria: EGL Classification Definitions 2015. Collection method: clinical testing. Allele origin: germline. Observed: 1 variant allele, 1 heterozygote.

Breakthrough Genomics
Classification: Likely benign. Review status: criteria provided, single submitter. Criteria: ACMG Guidelines, 2015. Collection method: not provided. Allele origin: germline. Inheritance: Autosomal recessive inheritance. Affected: yes.

NM_005529.7(HSPG2):c.2462C>T (p.Ala821Val)

Gene: HSPG2 (heparan sulfate proteoglycan 2; minus strand). Cytogenetic location: 1p36.12.
Variant type: single nucleotide variant.
Coding change: c.2462C>T on transcript NM_005529.7 (MANE Select); coding-DNA position 2462, C replaced by T.
Protein change: p.Ala821Val; replaces alanine 821 with valine.
Molecular consequence: missense variant.
Genome position (GRCh38, 1-based): chr1:21,879,003, G>A on the plus strand (C>T on the coding strand, the complement: HSPG2 is on the minus strand). VCF-style: chr1-21879003-G-A. GRCh37 (hg19) VCF-style: chr1-22205496-G-A.
Other names: c.2465C>T, p.Ala822Val (NM_001291860.2); c.2462C>T (NM_005529.5); short protein forms A821V, A822V.
Identifiers: ClinVar variation 498510 (VCV000498510.43), dbSNP rs141901178, ClinGen allele CA673065.